The following is an entry in ClinVar:

NM_198503.5(KCNT2):c.1998-5T>C

Gene: KCNT2 (potassium sodium-activated channel subfamily T member 2; minus strand). Cytogenetic location: 1q31.3.
Variant type: single nucleotide variant.
Coding change: c.1998-5T>C on transcript NM_198503.5 (MANE Select); 5 bases into the intron before coding-DNA position 1998, T replaced by C.
Molecular consequence: intron variant.
Genome position (GRCh38, 1-based): chr1:196,331,266, A>G on the plus strand (T>C on the coding strand, the complement: KCNT2 is on the minus strand). VCF-style: chr1-196331266-A-G. GRCh37 (hg19) VCF-style: chr1-196300396-A-G.
Other names: c.1848-5T>C (NM_001287820.3); c.1998-5T>C (NM_001287819.3).
Identifiers: ClinVar variation 2291883 (VCV002291883.2), dbSNP rs913490348, ClinGen allele CA35838556.

ClinVar aggregate classification (germline): Uncertain significance (1 of 4 stars; one submission).

Conditions:
Inborn genetic diseases. Identifiers: MedGen C0950123, MeSH D030342.

Allele frequency attached by ClinVar (database versions not stated): gnomAD exomes below 0.00001; TOPMed 0.00002.
gnomAD v4.1: 3 of 1,314,468 alleles (0.00023%); highest among the groups gnomAD compares: African/African-American, 0.0029%; no homozygotes.

Submission:

Ambry Genetics
Classification: Uncertain significance for Inborn genetic diseases. Last evaluated: 2022-07-08. Review status: criteria provided, single submitter. Criteria: Ambry Variant Classification Scheme 2023. Collection method: clinical testing. Allele origin: germline.
Comment: The c.1998-5T>C intronic alteration consists of a T to C substitution 5 nucleotides before coding exon 18 in the KCNT2 gene. Based on insufficient or conflicting evidence, the clinical significance of this alteration remains unclear.